The following is an entry in ClinVar:

NM_000257.4(MYH7):c.5221G>A (p.Val1741Met)

Genes: MYH7 (myosin heavy chain 7; minus strand), LOC126861897 (BRD4-independent group 4 enhancer GRCh37_chr14:23884455-23885654; plus strand). Cytogenetic location: 14q11.2.
Variant type: single nucleotide variant.
Coding change: c.5221G>A on transcript NM_000257.4 (MANE Select); coding-DNA position 5221, G replaced by A.
Protein change: p.Val1741Met; replaces valine 1741 with methionine.
Molecular consequence: missense variant.
Genome position (GRCh38, 1-based): chr14:23,415,443, C>T on the plus strand (G>A on the coding strand, the complement: MYH7 is on the minus strand). VCF-style: chr14-23415443-C-T. GRCh37 (hg19) VCF-style: chr14-23884652-C-T.
Other names: short protein forms V1741M.
Identifiers: ClinVar variation 935790 (VCV000935790.6), dbSNP rs1255832799, ClinGen allele CA389036281.

ClinVar aggregate classification (germline): Uncertain significance. Review status: criteria provided, multiple submitters, no conflicts (2 of 4 stars). 3 submissions from 3 submitters: Uncertain significance (3). Last evaluated 2023-12-13.

Conditions:
Hypertrophic cardiomyopathy. Also called: HYPERTROPHIC MYOCARDIOPATHY. Identifiers: Orphanet 217569, MedGen C0007194, MeSH D002312, MONDO:0005045, HP:0001639.
Cardiomyopathy (CMYO). Also called: Cardiomyopathies. Identifiers: Orphanet 167848, MedGen C0878544, MONDO:0004994, HP:0001638. Inheritance: Various modes of inheritance.

Allele frequency attached by ClinVar (database versions not stated): gnomAD exomes below 0.00001; TOPMed 0.00001.
gnomAD v4.1: 5 of 1,614,232 alleles (0.00031%); highest among the groups gnomAD compares: Non-Finnish European, 0.00042%; no homozygotes.

Submissions (3):

All of Us Research Program, National Institutes of Health
Classification: Uncertain significance for Cardiomyopathy. Last evaluated: 2023-12-13. Review status: criteria provided, single submitter. Criteria: ACMG Guidelines, 2015. Collection method: clinical testing. Allele origin: germline. Inheritance: Autosomal dominant inheritance. Observed: 2 variant alleles, 2 heterozygotes.
Comment: This missense variant replaces valine with methionine at codon 1741 of the MYH7 protein. Computational prediction suggests that this variant may not impact protein structure and function. To our knowledge, functional studies have not been reported for this variant. This variant has not been reported in individuals affected with MYH7-related disorders in the literature. This variant has not been identified in the general population by the Genome Aggregation Database (gnomAD). The available evidence is insufficient to determine the role of this variant in disease conclusively. Therefore, this variant is classified as a Variant of Uncertain Significance.

This study involves interpretation of variants in research participants for the purpose of population health screening. Participant phenotype was not available at the time of variant classification. Additional details can be found in publication PMID: 35346344, PMCID: PMC8962531

Blueprint Genetics
Classification: Uncertain significance. Last evaluated: 2023-11-10. Review status: criteria provided, single submitter. Criteria: ACMG Guidelines, 2015. Collection method: clinical testing. Allele origin: germline.

Labcorp Genetics (formerly Invitae), Labcorp
Classification: Uncertain significance for Hypertrophic cardiomyopathy. Last evaluated: 2021-09-01. Review status: criteria provided, single submitter. Criteria: Invitae Variant Classification Sherloc (09022015). Collection method: clinical testing. Allele origin: germline.
Comment: This sequence change replaces valine with methionine at codon 1741 of the MYH7 protein (p.Val1741Met). The valine residue is highly conserved and there is a small physicochemical difference between valine and methionine. This variant is not present in population databases (ExAC no frequency). This variant has not been reported in the literature in individuals affected with MYH7-related conditions. Algorithms developed to predict the effect of missense changes on protein structure and function are either unavailable or do not agree on the potential impact of this missense change (SIFT: "Deleterious"; PolyPhen-2: "Benign"; Align-GVGD: "Class C0"). In summary, the available evidence is currently insufficient to determine the role of this variant in disease. Therefore, it has been classified as a Variant of Uncertain Significance.